The following is an entry in ClinVar:

ClinVar aggregate classification (germline): Uncertain significance (1 of 4 stars; one submission).

Conditions:
Cranioectodermal dysplasia 1 (CED1). Also called: LEVIN SYNDROME I. Identifiers: Orphanet 1515, MedGen C0432235, MONDO:0021093, OMIM 218330.

gnomAD v4.1: 3 of 1,614,164 alleles (0.00019%); highest among the groups gnomAD compares: Non-Finnish European, 0.00025%; no homozygotes.

Submission:

Labcorp Genetics (formerly Invitae), Labcorp
Classification: Uncertain significance for Cranioectodermal dysplasia 1. Last evaluated: 2023-08-14. Review status: criteria provided, single submitter. Criteria: Invitae Variant Classification Sherloc (09022015). Collection method: clinical testing. Allele origin: germline.
Comment: In summary, the available evidence is currently insufficient to determine the role of this variant in disease. Therefore, it has been classified as a Variant of Uncertain Significance. Advanced modeling of protein sequence and biophysical properties (such as structural, functional, and spatial information, amino acid conservation, physicochemical variation, residue mobility, and thermodynamic stability) performed at Invitae indicates that this missense variant is not expected to disrupt IFT122 protein function. This variant has not been reported in the literature in individuals affected with IFT122-related conditions. This variant is not present in population databases (gnomAD no frequency). This sequence change replaces phenylalanine, which is neutral and non-polar, with leucine, which is neutral and non-polar, at codon 681 of the IFT122 protein (p.Phe681Leu).

NM_052989.3(IFT122):c.1890C>G (p.Phe630Leu)

Gene: IFT122 (intraflagellar transport 122; plus strand). Cytogenetic location: 3q21.3.
Variant type: single nucleotide variant.
Coding change: c.1890C>G on transcript NM_052989.3 (MANE Select); coding-DNA position 1890, C replaced by G.
Protein change: p.Phe630Leu; replaces phenylalanine 630 with leucine.
Molecular consequence: missense variant.
Genome position (GRCh38, 1-based): chr3:129,488,295, C>G. VCF-style: chr3-129488295-C-G. GRCh37 (hg19) VCF-style: chr3-129207138-C-G.
Other names: c.1713C>G, p.Phe571Leu (NM_001410810.1, NM_001410811.1, NM_001410813.1 and 1 more transcripts); c.1557C>G, p.Phe519Leu (NM_001410815.1, NM_001410817.1, NM_052990.3); c.2043C>G, p.Phe681Leu (NM_052985.4); c.1890C>G, p.Phe630Leu (NM_001410809.1, NM_001410808.1); c.1866C>G, p.Phe622Leu (NM_001280541.2); c.1440C>G, p.Phe480Leu (NM_001280545.2); c.1263C>G, p.Phe421Leu (NM_001280546.2); short protein forms F519L, F421L, F571L, F622L, F681L, F480L, F630L.
Identifiers: ClinVar variation 3004437 (VCV003004437.3), dbSNP rs1235738189, ClinGen allele CA354478210.